The following is an entry in ClinVar:

ClinVar aggregate classification (germline): Likely pathogenic (1 of 4 stars; one submission).

Conditions:
Methylmalonic aciduria, cblA type (MACA). Also called: Methylmalonic aciduria, vitamin b12-responsive, due to defect in synthesis of adenosylcobalamin, cbla complementation type; MMA cbl A type; Methylmalonic acidemia cblA type; Vitamin B12-responsive methylmalonic acidemia type cblA; Methylmalonic aciduria, vitamin B12-responsive. Identifiers: Orphanet 28, Orphanet 79310, MedGen C1855109, MONDO:0009613, OMIM 251100.

Submission:

Natera, Inc.
Classification: Likely pathogenic for Methylmalonic aciduria cblA type. Last evaluated: 2024-12-17. Review status: criteria provided, single submitter. Criteria: Natera Variant Classification Schema (03/2026). Collection method: clinical testing. Allele origin: germline.
Comment: The c.321dup variant in MMAA is a frameshift variant predicted to shift the reading frame beginning at codon 108 and leads to a stop codon 31 codons downstream. This variant is expected to result in nonsense mediated decay, truncation, or a dysfunctional protein product. This variant is rare in the general population with a frequency below the threshold expected for the associated phenotype(s). Given the available evidence, this variant is classified as Likely Pathogenic.

NM_172250.3(MMAA):c.321dup (p.Val108fs)

Gene: MMAA (metabolism of cobalamin associated A; plus strand). Cytogenetic location: 4q31.21.
Variant type: Duplication.
Coding change: c.321dup on transcript NM_172250.3 (MANE Select); coding-DNA position 321, one base duplicated (T; older notation c.321dupT).
Protein change: p.Val108fs; shifts the reading frame from valine 108.
Molecular consequence: frameshift variant.
Genome position (GRCh38, 1-based): chr4:145,639,460, T duplicated; the last of 2 consecutive T bases (chr4:145,639,459-145,639,460); duplicating either gives the same sequence. VCF-style (leftmost placement, unchanged base first): chr4-145639458-C-CT. GRCh37 (hg19) VCF-style: chr4-146560610-C-CT.
Other names: c.321dup, p.Val108fs (NM_001375644.1); short protein forms V108fs.
Identifiers: ClinVar variation 4816955 (VCV004816955.1).